The following is an entry in ClinVar:

NM_017763.6(RNF43):c.929C>T (p.Pro310Leu)

Gene: RNF43 (ring finger protein 43; minus strand). Cytogenetic location: 17q22.
Variant type: single nucleotide variant.
Coding change: c.929C>T on transcript NM_017763.6 (MANE Select); coding-DNA position 929, C replaced by T.
Protein change: p.Pro310Leu; replaces proline 310 with leucine.
Molecular consequence: missense variant.
Genome position (GRCh38, 1-based): chr17:58,360,172, G>A on the plus strand (C>T on the coding strand, the complement: RNF43 is on the minus strand). VCF-style: chr17-58360172-G-A. GRCh37 (hg19) VCF-style: chr17-56437533-G-A.
Other names: c.929C>T, p.Pro310Leu (NM_001305544.3); c.548C>T, p.Pro183Leu (NM_001305545.2); short protein forms P183L, P310L.
Identifiers: ClinVar variation 2810845 (VCV002810845.3), dbSNP rs2143438809, ClinGen allele CA400333333.
Genomic context (GRCh38, chr17:58,360,172, plus strand): 5'-TGCCTACACAGAGGGGAGTCCTTGGCCCACCTCCTACCTGTGATGTTGAACATGCAGAGG[G>A]GGCAAGTCCGATGCTGATGTAACCAGGGGTCCACACAGTTACGATGGAACTCATGGAGGC-3'
Protein context (NP_060233.3, residues 300-320): DPWLHQHRTC[Pro310Leu]LCMFNITEGD

ClinVar aggregate classification (germline): Uncertain significance (1 of 4 stars; one submission).

Submission:

Labcorp Genetics (formerly Invitae), Labcorp
Classification: Uncertain significance. Last evaluated: 2022-10-30. Review status: criteria provided, single submitter. Criteria: Invitae Variant Classification Sherloc (09022015). Collection method: clinical testing. Allele origin: germline.
Comment: This sequence change replaces proline, which is neutral and non-polar, with leucine, which is neutral and non-polar, at codon 310 of the RNF43 protein (p.Pro310Leu). In summary, the available evidence is currently insufficient to determine the role of this variant in disease. Therefore, it has been classified as a Variant of Uncertain Significance. Algorithms developed to predict the effect of missense changes on protein structure and function (SIFT, PolyPhen-2, Align-GVGD) all suggest that this variant is likely to be disruptive. This variant has not been reported in the literature in individuals affected with RNF43-related conditions. This variant is not present in population databases (gnomAD no frequency).